The following is an entry in ClinVar:

ClinVar aggregate classification (germline): Uncertain significance (1 of 4 stars; one submission).

Conditions:
Hereditary cancer-predisposing syndrome. Also called: Tumor predisposition; Hereditary neoplastic syndrome; Hereditary Cancer Syndrome; Neoplastic Syndromes, Hereditary. Identifiers: Orphanet 140162, MedGen C0027672, MeSH D009386, MONDO:0015356.

Submission:

Ambry Genetics
Classification: Uncertain significance for Hereditary cancer-predisposing syndrome. Last evaluated: 2024-03-06. Review status: criteria provided, single submitter. Criteria: Ambry Variant Classification Scheme 2023. Collection method: clinical testing. Allele origin: germline.
Comment: The p.D1269N variant (also known as c.3805G>A), located in coding exon 19 of the BLM gene, results from a G to A substitution at nucleotide position 3805. The aspartic acid at codon 1269 is replaced by asparagine, an amino acid with highly similar properties. This amino acid position is conserved. In addition, this alteration is predicted to be tolerated by in silico analysis. Based on the available evidence, the clinical significance of this alteration remains unclear.

NM_000057.4(BLM):c.3805G>A (p.Asp1269Asn)

Gene: BLM (BLM RecQ like helicase; plus strand). Cytogenetic location: 15q26.1.
Variant type: single nucleotide variant.
Coding change: c.3805G>A on transcript NM_000057.4 (MANE Select); coding-DNA position 3805, G replaced by A.
Protein change: p.Asp1269Asn; replaces aspartic acid 1269 with asparagine.
Molecular consequence: missense variant.
Genome position (GRCh38, 1-based): chr15:90,809,190, G>A. VCF-style: chr15-90809190-G-A. GRCh37 (hg19) VCF-style: chr15-91352420-G-A.
Other names: c.3805G>A, p.Asp1269Asn (NM_001287246.2); c.3412G>A, p.Asp1138Asn (NM_001287247.2); c.2680G>A, p.Asp894Asn (NM_001287248.2); short protein forms D1138N, D1269N, D894N.
Identifiers: ClinVar variation 3224614 (VCV003224614.1), dbSNP rs2505561552, ClinGen allele CA393849696.